The following is an entry in ClinVar:

ClinVar aggregate classification (germline): Uncertain significance (1 of 4 stars; one submission).

Submission:

GeneDx
Classification: Uncertain significance. Last evaluated: 2026-04-16. Review status: criteria provided, single submitter. Criteria: GeneDx Variant Classification Process June 2021. Collection method: clinical testing. Allele origin: germline.
Comment: Not observed at significant frequency in large population cohorts (gnomAD); In silico analysis suggests that this missense variant does not alter protein structure/function; Has not been previously published as pathogenic or benign to our knowledge

NM_001393504.1(MAST3):c.2399G>T (p.Arg800Leu)

Gene: MAST3 (microtubule associated serine/threonine kinase 3; plus strand). Cytogenetic location: 19p13.11.
Variant type: single nucleotide variant.
Coding change: c.2399G>T on transcript NM_001393504.1 (MANE Select); coding-DNA position 2399, G replaced by T.
Protein change: p.Arg800Leu; replaces arginine 800 with leucine.
Molecular consequence: missense variant.
Genome position (GRCh38, 1-based): chr19:18,143,822, G>T. VCF-style: chr19-18143822-G-T. GRCh37 (hg19) VCF-style: chr19-18254632-G-T.
Other names: c.2378G>T, p.Arg793Leu (NM_001393507.1); c.2333G>T, p.Arg778Leu (NM_001393508.1, NM_001393516.1); c.2330G>T, p.Arg777Leu (NM_001393509.1, NM_001393510.1, NM_001393512.1 and 2 more transcripts); c.2327G>T, p.Arg776Leu (NM_001393511.1, NM_001393519.1); c.2351G>T, p.Arg784Leu (NM_001393513.1, NM_001393506.1); c.2312G>T, p.Arg771Leu (NM_001393514.1, NM_015016.2); c.2309G>T, p.Arg770Leu (NM_001393515.1, NM_001393520.1); c.2423G>T, p.Arg808Leu (NM_001393501.1); and 4 more; short protein forms R762L, R770L, R771L, R776L, R777L, R778L, R784L, R793L.
Identifiers: ClinVar variation 5037124 (VCV005037124.1).
Genomic context (GRCh38, chr19:18,143,822, plus strand): 5'-GGCTGAGGTCCTGGACATCCTCTGGATCCTCCTGTCAGTCATCTTCGTCCCAGCCCGAGC[G>T]GGGTCCCAGCCCATCTCTCCTGAATACCATCAGCCTGGACACAATGCCCAAGTTTGCCTT-3'
Protein context (NP_001380433.1, residues 790-810): SCQSSSSQPE[Arg800Leu]GPSPSLLNTI